The following is an entry in ClinVar:

ClinVar aggregate classification (germline): Uncertain significance (1 of 4 stars; one submission).

gnomAD v4.1: 119 of 1,300,420 alleles (0.0092%); highest among the groups gnomAD compares: Non-Finnish European, 0.012%; 1 homozygote.

Submission:

Labcorp Genetics (formerly Invitae), Labcorp
Classification: Uncertain significance. Last evaluated: 2025-09-30. Review status: criteria provided, single submitter. Criteria: Invitae Variant Classification Sherloc (09022015). Collection method: clinical testing. Allele origin: germline.
Comment: This sequence change replaces isoleucine, which is neutral and non-polar, with valine, which is neutral and non-polar, at codon 990 of the ERCC6L2 protein (p.Ile990Val). This variant is present in population databases (rs747771113, gnomAD 0.008%). This variant has not been reported in the literature in individuals affected with ERCC6L2-related conditions. ClinVar contains an entry for this variant (Variation ID: 3612557). Experimental studies and prediction algorithms are not available or were not evaluated, and the functional significance of this variant is currently unknown. In summary, the available evidence is currently insufficient to determine the role of this variant in disease. Therefore, it has been classified as a Variant of Uncertain Significance.

NM_020207.7(ERCC6L2):c.2935A>G (p.Ile979Val)

Gene: ERCC6L2 (ERCC excision repair 6 like 2; plus strand). Cytogenetic location: 9q22.32.
Variant type: single nucleotide variant.
Coding change: c.2935A>G on transcript NM_020207.7 (MANE Select); coding-DNA position 2935, A replaced by G.
Protein change: p.Ile979Val; replaces isoleucine 979 with valine.
Molecular consequence: missense variant. On other transcripts: non-coding transcript variant (1).
Genome position (GRCh38, 1-based): chr9:95,972,686, A>G. VCF-style: chr9-95972686-A-G. GRCh37 (hg19) VCF-style: chr9-98734968-A-G.
Other names: c.2935A>G, p.Ile979Val (NM_001375291.1, NM_001375292.1, NM_001375293.1 and 1 more transcripts); short protein forms I979V.
Identifiers: ClinVar variation 3612557 (VCV003612557.2).